The following is an entry in ClinVar:

ClinVar aggregate classification (germline): Benign/Likely benign. Review status: criteria provided, multiple submitters, no conflicts (2 of 4 stars). 4 submissions from 4 submitters: Benign (2); Likely benign (2). Last evaluated 2026-07-01.

Allele frequency attached by ClinVar (database versions not stated): 1000 Genomes Project 0.00040; 1000 Genomes Project 30x 0.00047; ESP Exome Variant Server 0.00069; gnomAD 0.00070 and 0.00076; TOPMed 0.00085; gnomAD exomes 0.00093 and 0.00114; ExAC 0.00105.
gnomAD v4.1: 1,506 of 1,612,752 alleles (0.093%); highest among the groups gnomAD compares: Middle Eastern, 0.94%; 5 homozygotes.

Submissions (4):

CeGaT Center for Human Genetics Tuebingen
Classification: Likely benign. Last evaluated: 2026-07-01. Review status: criteria provided, single submitter. Criteria: CeGaT Center For Human Genetics Tuebingen Variant Classification Criteria Version 2. Collection method: clinical testing. Allele origin: germline. Affected: yes. Observed: 1 variant allele.
Comment: CELSR1: BP4, BP7

Blueprint Genetics
Classification: Likely benign. Last evaluated: 2024-11-21. Review status: criteria provided, single submitter. Criteria: ACMG Guidelines, 2015. Collection method: clinical testing. Allele origin: germline.

Labcorp Genetics (formerly Invitae), Labcorp
Classification: Benign. Last evaluated: 2017-09-07. Review status: criteria provided, single submitter. Criteria: Invitae Variant Classification Sherloc (09022015). Collection method: clinical testing. Allele origin: germline.

Breakthrough Genomics
Classification: Benign. Review status: criteria provided, single submitter. Criteria: ACMG Guidelines, 2015. Collection method: not provided. Allele origin: germline. Inheritance: Autosomal dominant inheritance. Affected: yes.

NM_001378328.1(CELSR1):c.8415C>T (p.Ser2805=)

Gene: CELSR1 (cadherin EGF LAG seven-pass G-type receptor 1; minus strand). Cytogenetic location: 22q13.31.
Variant type: single nucleotide variant.
Coding change: c.8415C>T on transcript NM_001378328.1 (MANE Select); coding-DNA position 8415, C replaced by T.
Protein change: p.Ser2805=; no amino-acid change (serine 2805 retained).
Molecular consequence: synonymous variant.
Genome position (GRCh38, 1-based): chr22:46,365,370, G>A on the plus strand (C>T on the coding strand, the complement: CELSR1 is on the minus strand). VCF-style: chr22-46365370-G-A. GRCh37 (hg19) VCF-style: chr22-46761267-G-A.
Other names: c.8415C>T, p.Ser2805= (NM_014246.4).
Identifiers: ClinVar variation 709008 (VCV000709008.6), dbSNP rs138188369, ClinGen allele CA10292812.